The following is an entry in ClinVar:

ClinVar aggregate classification (germline): Uncertain significance (1 of 4 stars; one submission).

Submission:

Labcorp Genetics (formerly Invitae), Labcorp
Classification: Uncertain significance. Last evaluated: 2023-12-23. Review status: criteria provided, single submitter. Criteria: Invitae Variant Classification Sherloc (09022015). Collection method: clinical testing. Allele origin: germline.
Comment: This sequence change creates a premature translational stop signal (p.Gln319*) in the LZTS1 gene. It is expected to result in an absent or disrupted protein product. However, the current clinical and genetic evidence is not sufficient to establish whether loss-of-function variants in LZTS1 cause disease. This variant is not present in population databases (gnomAD no frequency). This variant has not been reported in the literature in individuals affected with LZTS1-related conditions. In summary, the available evidence is currently insufficient to determine the role of this variant in disease. Therefore, it has been classified as a Variant of Uncertain Significance.

NM_021020.5(LZTS1):c.955C>T (p.Gln319Ter)

Gene: LZTS1 (leucine zipper tumor suppressor 1; minus strand). Cytogenetic location: 8p21.3.
Variant type: single nucleotide variant.
Coding change: c.955C>T on transcript NM_021020.5 (MANE Select); coding-DNA position 955, C replaced by T.
Protein change: p.Gln319Ter; replaces glutamine 319 with a stop codon.
Molecular consequence: nonsense.
Genome position (GRCh38, 1-based): chr8:20,252,976, G>A on the plus strand (C>T on the coding strand, the complement: LZTS1 is on the minus strand). VCF-style: chr8-20252976-G-A. GRCh37 (hg19) VCF-style: chr8-20110487-G-A.
Other names: c.955C>T, p.Gln319Ter (NM_001362884.2); short protein forms Q319*.
Identifiers: ClinVar variation 2705046 (VCV002705046.3), dbSNP rs1563854113, ClinGen allele CA370477180.